The following is an entry in ClinVar:

ClinVar aggregate classification (germline): Conflicting classifications of pathogenicity. Review status: criteria provided, conflicting classifications (1 of 4 stars). 6 submissions from 6 submitters: Uncertain significance (4); Likely benign (1). 1 of the submissions does not count toward it. Last evaluated 2025-08-28.

Conditions:
Cardiac arrhythmia. Also called: Arrhythmia; Cardiac rhythm disease. Identifiers: MedGen C0003811, MONDO:0007263, HP:0011675.
Cardiovascular phenotype. Identifiers: MedGen CN230736.
Familial long QT syndrome (RWS). Also called: Congenital long QT syndrome; Romano-Ward syndrome; VENTRICULAR FIBRILLATION WITH PROLONGED QT INTERVAL. Identifiers: Orphanet 768, MedGen C1141890, MONDO:0019171.
Long QT syndrome (LQTS). Identifiers: MedGen C0023976, MeSH D008133, MONDO:0002442. Disease mechanism: loss of function. Inheritance: Various modes of inheritance.

Allele frequency attached by ClinVar (database versions not stated): gnomAD exomes 0.00004 and 0.00002; TOPMed 0.00002; ExAC below 0.00001; gnomAD 0.00002 and 0.00003.
gnomAD v4.1: 27 of 1,529,310 alleles (0.0018%); highest among the groups gnomAD compares: Middle Eastern, 0.023%; no homozygotes.

Submissions (6):

Labcorp Genetics (formerly Invitae), Labcorp
Classification: Uncertain significance for Long QT syndrome. Last evaluated: 2025-08-28. Review status: criteria provided, single submitter. Criteria: Invitae Variant Classification Sherloc (09022015). Collection method: clinical testing. Allele origin: germline.
Comment: This sequence change replaces arginine, which is basic and polar, with glutamine, which is neutral and polar, at codon 920 of the KCNH2 protein (p.Arg920Gln). The frequency data for this variant in the population databases is considered unreliable, as metrics indicate poor data quality at this position in the gnomAD database. This missense change has been observed in individual(s) with long QT syndrome (PMID: 19716085, 23631430). ClinVar contains an entry for this variant (Variation ID: 67434). An algorithm developed to predict the effect of missense changes on protein structure and function outputs the following: PolyPhen-2: "Benign". The glutamine amino acid residue is found in multiple mammalian species, which suggests that this missense change does not adversely affect protein function. In summary, the available evidence is currently insufficient to determine the role of this variant in disease. Therefore, it has been classified as a Variant of Uncertain Significance.

All of Us Research Program, National Institutes of Health
Classification: Uncertain significance for Long QT syndrome. Last evaluated: 2024-05-30. Review status: criteria provided, single submitter. Criteria: ACMG Guidelines, 2015. Collection method: clinical testing. Allele origin: germline. Inheritance: Autosomal dominant inheritance. Observed: 11 variant alleles, 11 heterozygotes.
Comment: This missense variant replaces arginine with glutamine at codon 920 of the KCNH2 protein. Computational prediction is inconclusive regarding the impact of this variant on protein structure and function (internally defined REVEL score threshold 0.5 < inconclusive < 0.7, PMID: 27666373). To our knowledge, functional studies have not been reported for this variant. This variant has been reported in individuals affected with or suspected of having long QT syndrome (PMID: 19716085, 23631430, 33029862, ClinVar SCV001813917.1). This variant has been identified in 7/156894 chromosomes in the general population by the Genome Aggregation Database (gnomAD). The available evidence is insufficient to determine the role of this variant in disease conclusively. Therefore, this variant is classified as a Variant of Uncertain Significance.

This study involves interpretation of variants in research participants for the purpose of population health screening. Participant phenotype was not available at the time of variant classification. Additional details can be found in publication PMID: 35346344, PMCID: PMC8962531

Color Diagnostics, LLC DBA Color Health
Classification: Uncertain significance for Cardiac arrhythmia. Last evaluated: 2024-05-07. Review status: criteria provided, single submitter. Criteria: ACMG Guidelines, 2015. Collection method: clinical testing. Allele origin: germline.
Comment: This missense variant replaces arginine with glutamine at codon 920 of the KCNH2 protein. Computational prediction is inconclusive regarding the impact of this variant on protein structure and function (internally defined REVEL score threshold 0.5 < inconclusive < 0.7, PMID: 27666373). To our knowledge, functional studies have not been reported for this variant. This variant has been reported in individuals affected with or suspected of having long QT syndrome (PMID: 19716085, 23631430, 33029862, ClinVar SCV001813917.1). This variant has been identified in 7/156894 chromosomes in the general population by the Genome Aggregation Database (gnomAD). The available evidence is insufficient to determine the role of this variant in disease conclusively. Therefore, this variant is classified as a Variant of Uncertain Significance.

Ambry Genetics
Classification: Likely benign for Cardiovascular phenotype. Last evaluated: 2023-05-08. Review status: criteria provided, single submitter. Criteria: Ambry Variant Classification Scheme 2023. Collection method: clinical testing. Allele origin: germline.

GeneDx
Classification: Uncertain significance. Last evaluated: 2023-03-27. Review status: criteria provided, single submitter. Criteria: GeneDx Variant Classification Process June 2021. Collection method: clinical testing. Allele origin: germline. Affected: yes.
Comment: Observed in association with LQTS in the published literature and in individuals referred for genetic testing at GeneDx; however, clinical details are lacking and segregation data are currently uninformative (Kapplinger et al., 2009; Lieve et al., 2013; internal data); In silico analysis supports that this missense variant does not alter protein structure/function; This variant is associated with the following publications: (PMID: 23631430, 22581653, 19716085)

Cardiovascular Biomedical Research Unit, Royal Brompton & Harefield NHS Foundation Trust
No classification provided. Condition: Familial long QT syndrome. Review status: no classification provided. Collection method: literature only. Allele origin: germline. Not counted in ClinVar's aggregate classification.
Comment: This variant has been reported as associated with Long QT syndrome in the following publications (PMID:19716085). This is a literature report, and does not necessarily reflect the clinical interpretation of the Imperial College / Royal Brompton Cardiovascular Genetics laboratory.

Literature cited by the submitters: PubMed 19716085 (cited by 5 submitters); PubMed 23631430 (cited by 4 submitters); PubMed 33029862 (cited by All of Us Research Program, National Institutes of Health and Color Diagnostics, LLC DBA Color Health); PubMed 22581653 (cited by Cardiovascular Biomedical Research Unit, Royal Brompton & Harefield NHS Foundation Trust).

NM_000238.4(KCNH2):c.2759G>A (p.Arg920Gln)

Gene: KCNH2 (potassium voltage-gated channel subfamily H member 2; minus strand). Cytogenetic location: 7q36.1.
Variant type: single nucleotide variant.
Coding change: c.2759G>A on transcript NM_000238.4 (MANE Select); coding-DNA position 2759, G replaced by A.
Protein change: p.Arg920Gln; replaces arginine 920 with glutamine.
Molecular consequence: missense variant.
Genome position (GRCh38, 1-based): chr7:150,947,812, C>T on the plus strand (G>A on the coding strand, the complement: KCNH2 is on the minus strand). VCF-style: chr7-150947812-C-T. GRCh37 (hg19) VCF-style: chr7-150644900-C-T.
Other names: c.2759G>A (LRG_288t1, NM_000238.2); c.1739G>A, p.Arg580Gln (NM_172057.3); short protein forms R580Q, R920Q.
Identifiers: ClinVar variation 67434 (VCV000067434.25), dbSNP rs199473670, ClinGen allele CA007319.